The following is an entry in ClinVar:

ClinVar aggregate classification (germline): Pathogenic (1 of 4 stars; one submission).

Submission:

Athena Diagnostics
Classification: Pathogenic. Last evaluated: 2023-09-22. Review status: criteria provided, single submitter. Criteria: Athena Diagnostics Criteria. Collection method: clinical testing. Allele origin: unknown.
Comment: This variant has been identified in at least one individual with clinical features associated with this gene. This variant has not been reported in large, multi-ethnic general populations. Assessment of experimental evidence suggests this variant results in abnormal protein function. (PMID: 31799751)

Literature cited by the submitters: PubMed 31799751.

NM_000548.5(TSC2):c.2747T>C (p.Leu916Pro)

Gene: TSC2 (TSC complex subunit 2; plus strand). Cytogenetic location: 16p13.3.
Variant type: single nucleotide variant.
Coding change: c.2747T>C on transcript NM_000548.5 (MANE Select); coding-DNA position 2747, T replaced by C.
Protein change: p.Leu916Pro; replaces leucine 916 with proline.
Molecular consequence: missense variant.
Genome position (GRCh38, 1-based): chr16:2,076,495, T>C. VCF-style: chr16-2076495-T-C. GRCh37 (hg19) VCF-style: chr16-2126496-T-C.
Other names: c.2747T>C, p.Leu916Pro (NM_001077183.3, NM_001114382.3, NM_001363528.2 and 3 more transcripts); c.2636T>C, p.Leu879Pro (NM_001318827.2); c.2600T>C, p.Leu867Pro (NM_001318829.2); c.2147T>C, p.Leu716Pro (NM_001318831.2); c.2780T>C, p.Leu927Pro (NM_001318832.2); short protein forms L916P, L867P, L927P, L716P, L879P.
Identifiers: ClinVar variation 448726 (VCV000448726.2), dbSNP rs137854405, ClinGen allele CA394279780.